The following is an entry in ClinVar:

NM_001103146.3(GIGYF2):c.3630_3631insG (p.Gln1211fs)

Gene: GIGYF2 (GRB10 interacting GYF protein 2; plus strand). Cytogenetic location: 2q37.1.
Variant type: Insertion.
Coding change: c.3630_3631insG on transcript NM_001103146.3 (MANE Select); coding-DNA positions 3630 to 3631, G inserted.
Protein change: p.Gln1211fs; shifts the reading frame from glutamine 1211.
Molecular consequence: frameshift variant. On other transcripts: non-coding transcript variant (1).
Genome position: GRCh38 VCF-style: chr2-232847517-A-AG. GRCh37 (hg19) VCF-style: chr2-233712227-A-AG.
Other names: p.Gln1211Alafs*46; c.3630_3631insG (NM_001103146.2); c.3693_3694insG, p.Gln1232fs (NM_001103147.2); c.3612_3613insG, p.Gln1205fs (NM_001103148.2); c.3630_3631insG, p.Gln1211fs (NM_015575.4); short protein forms Q1211fs, Q1232fs, Q1205fs.
Identifiers: ClinVar variation 402900 (VCV000402900.6), dbSNP rs775324034, ClinGen allele CA2170927.

ClinVar aggregate classification (germline): Benign/Likely benign. Review status: criteria provided, multiple submitters, no conflicts (2 of 4 stars). 3 submissions from 3 submitters: Benign (2); Likely benign (1). Last evaluated 2025-02-16.

Allele frequency attached by ClinVar (database versions not stated): gnomAD exomes 0.03393; gnomAD 0.03496; ExAC 0.17396.

Submissions (3):

Laboratory of Genetics, Children's Clinical University Hospital Latvia
Classification: Benign. Last evaluated: 2025-02-16. Review status: criteria provided, single submitter. Criteria: ACMG Guidelines, 2015. Collection method: clinical testing. Allele origin: germline. Affected: yes.

Mayo Clinic Laboratories, Mayo Clinic
Classification: Benign. Last evaluated: 2022-03-23. Review status: criteria provided, single submitter. Criteria: ACMG Guidelines, 2015. Collection method: clinical testing. Allele origin: germline. Observed: 44 variant alleles.

Laboratory for Molecular Medicine, Mass General Brigham Personalized Medicine
Classification: Likely benign. Last evaluated: 2016-03-28. Review status: criteria provided, single submitter. Criteria: LMM Criteria. Collection method: clinical testing. Allele origin: germline.
Comment: Variant identified in a genome or exome case(s) and assessed due to predicted null impact of the variant or pathogenic assertions in the literature or databases. Disclaimer: This variant has not undergone full assessment. The following are preliminary notes: 39.59% east asian with 179 homozygotes in ExAC (VQSRTrancheINDEL96.00to97.00)